The following is an entry in ClinVar:

NM_003126.4(SPTA1):c.5119G>A (p.Glu1707Lys)

Gene: SPTA1 (spectrin alpha, erythrocytic 1; minus strand). Cytogenetic location: 1q23.1.
Variant type: single nucleotide variant.
Coding change: c.5119G>A on transcript NM_003126.4 (MANE Select); coding-DNA position 5119, G replaced by A.
Protein change: p.Glu1707Lys; replaces glutamic acid 1707 with lysine.
Molecular consequence: missense variant.
Genome position (GRCh38, 1-based): chr1:158,638,103, C>T on the plus strand (G>A on the coding strand, the complement: SPTA1 is on the minus strand). VCF-style: chr1-158638103-C-T. GRCh37 (hg19) VCF-style: chr1-158607893-C-T.
Other names: short protein forms E1707K.
Identifiers: ClinVar variation 3715729 (VCV003715729.3).

ClinVar aggregate classification (germline): Uncertain significance. Review status: criteria provided, multiple submitters, no conflicts (2 of 4 stars). 2 submissions from 2 submitters: Uncertain significance (2). Last evaluated 2025-07-18.

gnomAD v4.1: 32 of 1,613,918 alleles (0.002%); highest among the groups gnomAD compares: Non-Finnish European, 0.0024%; no homozygotes.

Submissions (2):

ARUP Laboratories, Molecular Genetics and Genomics, ARUP Laboratories
Classification: Uncertain significance. Last evaluated: 2025-07-18. Review status: criteria provided, single submitter. Criteria: ARUP Molecular Germline Variant Investigation Process 2024. Collection method: clinical testing. Allele origin: germline.
Comment: The SPTA1 c.5119G>A; p.Glu1707Lys variant (rs748383003), to our knowledge, is not reported in the medical literature but is reported in ClinVar (Variation ID: 3715729). This variant is only observed on nine alleles in the Genome Aggregation Database (v2.1.1), indicating it is not a common polymorphism. Computational analyses predict that this variant is neutral (REVEL: 0.059). Due to limited information, the clinical significance of this variant is uncertain at this time.

Labcorp Genetics (formerly Invitae), Labcorp
Classification: Uncertain significance. Last evaluated: 2024-11-27. Review status: criteria provided, single submitter. Criteria: Invitae Variant Classification Sherloc (09022015). Collection method: clinical testing. Allele origin: germline.
Comment: This sequence change replaces glutamic acid, which is acidic and polar, with lysine, which is basic and polar, at codon 1707 of the SPTA1 protein (p.Glu1707Lys). This variant is present in population databases (rs748383003, gnomAD 0.006%). This variant has not been reported in the literature in individuals affected with SPTA1-related conditions. Invitae Evidence Modeling of protein sequence and biophysical properties (such as structural, functional, and spatial information, amino acid conservation, physicochemical variation, residue mobility, and thermodynamic stability) indicates that this missense variant is not expected to disrupt SPTA1 protein function with a negative predictive value of 80%. In summary, the available evidence is currently insufficient to determine the role of this variant in disease. Therefore, it has been classified as a Variant of Uncertain Significance.